The following is an entry in ClinVar:

ClinVar aggregate classification (germline): Uncertain significance. Review status: criteria provided, multiple submitters, no conflicts (2 of 4 stars). 6 submissions from 6 submitters: Uncertain significance (4). 2 of the submissions do not count toward it. Last evaluated 2023-07-22.

Conditions:
Cardiovascular phenotype. Identifiers: MedGen CN230736.
Long QT syndrome (LQTS). Identifiers: MedGen C0023976, MeSH D008133, MONDO:0002442. Disease mechanism: loss of function. Inheritance: Various modes of inheritance.

Allele frequency attached by ClinVar (database versions not stated): gnomAD exomes below 0.00001; TOPMed below 0.00001; gnomAD 0.00002.
gnomAD v4.1: 9 of 1,611,310 alleles (0.00056%); highest among the groups gnomAD compares: Admixed American, 0.0017%; no homozygotes.

Submissions (6):

Labcorp Genetics (formerly Invitae), Labcorp
Classification: Uncertain significance for Long QT syndrome. Last evaluated: 2023-07-22. Review status: criteria provided, single submitter. Criteria: Invitae Variant Classification Sherloc (09022015). Collection method: clinical testing. Allele origin: germline.
Comment: Advanced modeling of protein sequence and biophysical properties (such as structural, functional, and spatial information, amino acid conservation, physicochemical variation, residue mobility, and thermodynamic stability) performed at Invitae indicates that this missense variant is expected to disrupt CACNA1C protein function. ClinVar contains an entry for this variant (Variation ID: 190635). This variant has not been reported in the literature in individuals affected with CACNA1C-related conditions. The frequency data for this variant in the population databases is considered unreliable, as metrics indicate poor data quality at this position in the gnomAD database. This sequence change replaces aspartic acid, which is acidic and polar, with asparagine, which is neutral and polar, at codon 448 of the CACNA1C protein (p.Asp448Asn). In summary, the available evidence is currently insufficient to determine the role of this variant in disease. Therefore, it has been classified as a Variant of Uncertain Significance.

Ambry Genetics
Classification: Uncertain significance for Cardiovascular phenotype. Last evaluated: 2023-04-17. Review status: criteria provided, single submitter. Criteria: Ambry Variant Classification Scheme 2023. Collection method: clinical testing. Allele origin: germline.
Comment: The p.D448N variant (also known as c.1342G>A), located in coding exon 9 of the CACNA1C gene, results from a G to A substitution at nucleotide position 1342. The aspartic acid at codon 448 is replaced by asparagine, an amino acid with highly similar properties. This variant was detected in an arrhythmia genetic testing cohort; however, clinical details were limited, and additional cardiac variants were detected in some cases (van Lint FHM et al. Neth Heart J, 2019 Jun;27:304-309). This amino acid position is highly conserved in available vertebrate species. In addition, the in silico prediction for this alteration is inconclusive. Since supporting evidence is limited at this time, the clinical significance of this alteration remains unclear.

Blueprint Genetics
Classification: Uncertain significance. Last evaluated: 2018-06-07. Review status: criteria provided, single submitter. Criteria: ACMG Guidelines, 2015. Collection method: clinical testing. Allele origin: germline.

GeneDx
Classification: Uncertain significance. Last evaluated: 2013-05-31. Review status: criteria provided, single submitter. Criteria: GeneDx Variant Classification (06012015). Collection method: clinical testing. Allele origin: germline. Affected: yes.
Comment: p.Asp448Asn (GAT>AAT): c.1342 G>A in exon 9 of the CACNA1C gene (NM_000719.6). The Asp448Asn variant in the CACNA1C gene has not been reported as a disease-causing mutation or as a benign polymorphism to our knowledge. Asp448Asn results in a non-conservative amino acid substitution of a negatively charged Aspartic acid with a neutral, polar Asparagine at a position that is conserved across species. In silico analysis predicts Asp448Asn is probably damaging to the protein structure/function. The Asp448Asn variant was not observed in approximately 6,500 individuals of European and African American ancestry in the NHLBI Exome Sequencing Project, indicating it is not a common benign variant in these populations. Nevertheless, no mutations in nearby residues have been reported in association with LQTS, indicating this region of the protein may be tolerant of change.With the clinical and molecular information available at this time, we cannot definitively determine if Asp448Asn is a disease-causing mutation or a rare benign variant. The variant is found in LQT panel(s).

Clinical Genetics, Academic Medical Center
Classification: Uncertain significance. Review status: no assertion criteria provided. Collection method: clinical testing. Allele origin: germline. Affected: yes. Study: VKGL Data-share Consensus. Not counted in ClinVar's aggregate classification.

Diagnostic Laboratory, Department of Genetics, University Medical Center Groningen
Classification: Uncertain significance. Review status: no assertion criteria provided. Collection method: clinical testing. Allele origin: germline. Affected: yes. Study: VKGL Data-share Consensus. Not counted in ClinVar's aggregate classification.

Literature cited by the submitters: PubMed 30847666 (cited by Ambry Genetics).

NM_000719.7(CACNA1C):c.1342G>A (p.Asp448Asn)

Gene: CACNA1C (calcium voltage-gated channel subunit alpha1 C; plus strand). Cytogenetic location: 12p13.33.
Variant type: single nucleotide variant.
Coding change: c.1342G>A on transcript NM_000719.7 (MANE Select); coding-DNA position 1342, G replaced by A.
Protein change: p.Asp448Asn; replaces aspartic acid 448 with asparagine.
Molecular consequence: missense variant.
Genome position (GRCh38, 1-based): chr12:2,512,936, G>A. VCF-style: chr12-2512936-G-A. GRCh37 (hg19) VCF-style: chr12-2622102-G-A.
Other names: p.D448N:GAT>AAT; c.1342G>A, p.Asp448Asn (NM_001129827.2, NM_001129829.2, NM_001129830.3 and 18 more transcripts); c.1333G>A, p.Asp445Asn (NM_001129844.2); short protein forms D448N, D445N.
Identifiers: ClinVar variation 190635 (VCV000190635.14), dbSNP rs786205746, ClinGen allele CA301252.